The following is an entry in ClinVar:

ClinVar aggregate classification (germline): Uncertain significance. Review status: criteria provided, multiple submitters, no conflicts (2 of 4 stars). 2 submissions from 2 submitters: Uncertain significance (2). Last evaluated 2025-08-18.

Conditions:
Nemaline myopathy 2 (NEM2). Also called: Nemaline myopathy 2, autosomal recessive. Identifiers: MedGen C1850569, MONDO:0009725, OMIM 256030.

Allele frequency attached by ClinVar (database versions not stated): gnomAD 0.00001; gnomAD exomes 0.00001.
gnomAD v4.1: 7 of 1,549,288 alleles (0.00045%); highest among the groups gnomAD compares: Non-Finnish European, 0.00061%; no homozygotes.

Submissions (2):

Labcorp Genetics (formerly Invitae), Labcorp
Classification: Uncertain significance for Nemaline myopathy 2. Last evaluated: 2025-08-18. Review status: criteria provided, single submitter. Criteria: Invitae Variant Classification Sherloc (09022015). Collection method: clinical testing. Allele origin: germline.
Comment: This sequence change replaces glutamic acid, which is acidic and polar, with valine, which is neutral and non-polar, at codon 8031 of the NEB protein (p.Glu8031Val). The frequency data for this variant in the population databases is considered unreliable, as metrics indicate poor data quality at this position in the gnomAD database. This variant has not been reported in the literature in individuals affected with NEB-related conditions. ClinVar contains an entry for this variant (Variation ID: 1176745). Experimental studies and prediction algorithms are not available or were not evaluated, and the functional significance of this variant is currently unknown. In summary, the available evidence is currently insufficient to determine the role of this variant in disease. Therefore, it has been classified as a Variant of Uncertain Significance.

CeGaT Center for Human Genetics Tuebingen
Classification: Uncertain significance. Last evaluated: 2021-02-01. Review status: criteria provided, single submitter. Criteria: CeGaT Center For Human Genetics Tuebingen Variant Classification Criteria Version 2. Collection method: clinical testing. Allele origin: germline. Affected: yes. Observed: 1 variant allele.

NM_001164508.2(NEB):c.23987A>T (p.Glu7996Val)

Genes: NEB (nebulin; minus strand), RIF1 (replication timing regulatory factor 1; plus strand). Cytogenetic location: 2q23.3.
Variant type: single nucleotide variant.
Coding change: c.23987A>T on transcript NM_001164508.2 (MANE Select); coding-DNA position 23987, A replaced by T.
Protein change: p.Glu7996Val; replaces glutamic acid 7996 with valine.
Molecular consequence: missense variant. On other transcripts: intron variant (1).
Genome position (GRCh38, 1-based): chr2:151,501,425, T>A on the plus strand (A>T on the coding strand, the complement: NEB is on the minus strand). VCF-style: chr2-151501425-T-A. GRCh37 (hg19) VCF-style: chr2-152357939-T-A.
Other names: c.23987A>T, p.Glu7996Val (NM_001164507.2); c.24092A>T, p.Glu8031Val (NM_001271208.2); c.18825+1368A>T (NM_004543.5); short protein forms E7996V, E8031V.
Identifiers: ClinVar variation 1176745 (VCV001176745.38), dbSNP rs1312647029, ClinGen allele CA348780463.